The following is an entry in ClinVar:

ClinVar aggregate classification (germline): Conflicting classifications of pathogenicity. Review status: criteria provided, conflicting classifications (1 of 4 stars). 4 submissions from 4 submitters: Uncertain significance (1); Likely benign (3). Last evaluated 2026-05-19.

Conditions:
Hypercholesterolemia, autosomal dominant, 3 (FHCL3). Also called: Familial Hypercholesterolemia, Autosomal Dominant, 3; PCSK9-Related Familial Hypercholesterolemia, Autosomal Dominant; Familial hypercholesterolemia 3. Identifiers: MedGen C1863551, MONDO:0011369, OMIM 603776.
Cardiovascular phenotype. Identifiers: MedGen CN230736.
Familial hypercholesterolemia. Also called: Familial hypercholesterolemias; Familial hypercholesterolaemia. Identifiers: MedGen C0020445, MONDO:0005439.

Allele frequency attached by ClinVar (database versions not stated): 1000 Genomes Project 30x 0.00047; gnomAD 0.00023 and 0.00024; ExAC 0.00005; gnomAD exomes 0.00006 and 0.00002; TOPMed 0.00036; ESP Exome Variant Server 0.00008; 1000 Genomes Project 0.00040.

Submissions (4):

Women's Health and Genetics/Laboratory Corporation of America, LabCorp
Classification: Likely benign. Last evaluated: 2026-05-19. Review status: criteria provided, single submitter. Criteria: LabCorp Variant Classification Summary - May 2015. Collection method: clinical testing. Allele origin: germline.
Comment: Variant summary: PCSK9 c.1294G>A (p.Asp432Asn) results in a conservative amino acid change in the encoded protein sequence. Algorithms developed to predict the effect of missense changes on protein structure and function all suggest that this variant is likely to be tolerated. The variant allele was found at a frequency of 5.6e-05 in 251008 control chromosomes, predominantly at a frequency of 0.0008 within the African or African-American subpopulation in the gnomAD database. The observed variant frequency within African or African-American control individuals in the gnomAD database exceeds the estimated maximal expected allele frequency for disease-causing variants in PCSK9, providing supporting evidence for a benign role. To our knowledge, c.1294G>A has not been observed in individual(s) affected with PCSK9-related conditions and no experimental evidence demonstrating an impact on protein function has been reported. ClinVar contains an entry for this variant (Variation ID: 536205). Based on the evidence outlined above, the variant was classified as likely benign.

Labcorp Genetics (formerly Invitae), Labcorp
Classification: Likely benign for Hypercholesterolemia, autosomal dominant, 3. Last evaluated: 2025-10-09. Review status: criteria provided, single submitter. Criteria: Invitae Variant Classification Sherloc (09022015). Collection method: clinical testing. Allele origin: germline.

Color Diagnostics, LLC DBA Color Health
Classification: Uncertain significance for Familial hypercholesterolemia. Last evaluated: 2024-04-04. Review status: criteria provided, single submitter. Criteria: ACMG Guidelines, 2015. Collection method: clinical testing. Allele origin: germline.
Comment: This missense variant replaces aspartic acid with asparagine at codon 432 of the PCSK9 protein. Computational prediction tools indicate that this variant has a neutral impact on protein structure and function. To our knowledge, functional studies have not been reported for this variant. This variant has not been reported in individuals affected with PCSK9-related disorders in the literature. This variant has been identified in 24/282396 chromosomes in the general population by the Genome Aggregation Database (gnomAD). The elevated variant allele frequency in the general population indicates that this variant may not be disease-causing. However, additional studies are necessary to determine the role of this variant in disease conclusively. Therefore, this variant is classified as a Variant of Uncertain Significance.

Ambry Genetics
Classification: Likely benign for Cardiovascular phenotype. Last evaluated: 2021-06-01. Review status: criteria provided, single submitter. Criteria: Ambry Variant Classification Scheme 2023. Collection method: clinical testing. Allele origin: germline.

Literature cited by the submitters: PubMed 24507775 (cited by Women's Health and Genetics/Laboratory Corporation of America, LabCorp and Ambry Genetics); PubMed 25412415 (cited by Women's Health and Genetics/Laboratory Corporation of America, LabCorp and Ambry Genetics).

NM_174936.4(PCSK9):c.1294G>A (p.Asp432Asn)

Gene: PCSK9 (proprotein convertase subtilisin/kexin type 9; plus strand). Cytogenetic location: 1p32.3.
Variant type: single nucleotide variant.
Coding change: c.1294G>A on transcript NM_174936.4 (MANE Select); coding-DNA position 1294, G replaced by A.
Protein change: p.Asp432Asn; replaces aspartic acid 432 with asparagine.
Molecular consequence: missense variant.
Genome position (GRCh38, 1-based): chr1:55,058,149, G>A. VCF-style: chr1-55058149-G-A. GRCh37 (hg19) VCF-style: chr1-55523822-G-A.
Other names: c.1417G>A, p.Asp473Asn (NM_001407240.1); c.1294G>A, p.Asp432Asn (NM_001407241.1); c.1297G>A, p.Asp433Asn (NM_001407242.1); c.1237G>A, p.Asp413Asn (NM_001407243.1); c.1102G>A, p.Asp368Asn (NM_001407245.1); c.919G>A, p.Asp307Asn (NM_001407246.1); short protein forms D432N, D368N, D413N, D433N, D307N, D473N.
Identifiers: ClinVar variation 536205 (VCV000536205.19), dbSNP rs72646515, ClinGen allele CA036252.